The following is an entry in ClinVar:

ClinVar aggregate classification (germline): Likely benign (1 of 4 stars; one submission).

gnomAD v4.1: 5 of 1,613,566 alleles (0.00031%); highest among the groups gnomAD compares: Non-Finnish European, 0.00042%; no homozygotes.

Submission:

CeGaT Center for Human Genetics Tuebingen
Classification: Likely benign. Last evaluated: 2024-07-01. Review status: criteria provided, single submitter. Criteria: CeGaT Center For Human Genetics Tuebingen Variant Classification Criteria Version 2. Collection method: clinical testing. Allele origin: germline. Affected: yes. Observed: 1 variant allele.
Comment: DOCK3: PM2:Supporting, BP4, BP7

NM_004947.5(DOCK3):c.1944C>G (p.Leu648=)

Gene: DOCK3 (dedicator of cytokinesis 3; plus strand). Cytogenetic location: 3p21.2.
Variant type: single nucleotide variant.
Coding change: c.1944C>G on transcript NM_004947.5 (MANE Select); coding-DNA position 1944, C replaced by G.
Protein change: p.Leu648=; no amino-acid change (leucine 648 retained).
Molecular consequence: synonymous variant.
Genome position (GRCh38, 1-based): chr3:51,236,371, C>G. VCF-style: chr3-51236371-C-G. GRCh37 (hg19) VCF-style: chr3-51273802-C-G.
Identifiers: ClinVar variation 3257229 (VCV003257229.17).